The following is an entry in ClinVar:

NM_001079872.2(CUL4B):c.1034T>C (p.Ile345Thr)

Gene: CUL4B (cullin 4B; minus strand). Cytogenetic location: Xq24.
Variant type: single nucleotide variant.
Coding change: c.1034T>C on transcript NM_001079872.2 (MANE Select); coding-DNA position 1034, T replaced by C.
Protein change: p.Ile345Thr; replaces isoleucine 345 with threonine.
Molecular consequence: missense variant.
Genome position (GRCh38, 1-based): chrX:120,544,530, A>G on the plus strand (T>C on the coding strand, the complement: CUL4B is on the minus strand). VCF-style: chrX-120544530-A-G. GRCh37 (hg19) VCF-style: chrX-119678385-A-G.
Other names: c.1049T>C, p.Ile350Thr (NM_001330624.2); c.500T>C, p.Ile167Thr (NM_001369145.1); c.1088T>C, p.Ile363Thr (NM_003588.4); short protein forms I167T, I345T, I350T, I363T.
Identifiers: ClinVar variation 3602202 (VCV003602202.1).
Genomic context (GRCh38, chrX:120,544,530, plus strand): 5'-AGTTAACTTACTTGCAAATCAGACAGCATGCTTAAAAGGCTTCGAAGTAAACTTCTATCA[A>G]TTGCTTCACCATTCCTTTCCCTCTCAATCAAGAGAAGAATGCCATCAATTGTCTTATTCT-3'
Protein context (NP_001073341.1, residues 335-355): LIERERNGEA[Ile345Thr]DRSLLRSLLS

ClinVar aggregate classification (germline): Uncertain significance (1 of 4 stars; one submission).

Submission:

GeneDx
Classification: Uncertain significance. Last evaluated: 2024-07-30. Review status: criteria provided, single submitter. Criteria: GeneDx Variant Classification Process June 2021. Collection method: clinical testing. Allele origin: germline. Affected: yes.
Comment: Not observed at significant frequency in large population cohorts (gnomAD); In silico analysis supports that this missense variant has a deleterious effect on protein structure/function; Has not been previously published as pathogenic or benign to our knowledge